The following is an entry in ClinVar:

ClinVar aggregate classification (germline): Conflicting classifications of pathogenicity. Review status: criteria provided, conflicting classifications (1 of 4 stars). 4 submissions from 4 submitters: Uncertain significance (2); Likely benign (2). Last evaluated 2025-05-23.

Conditions:
Malignant hyperthermia, susceptibility to, 1 (MHS1). Also called: RYR1-Related Malignant Hyperthermia Susceptibility; Anesthesia related hyperthermia; Malignant hyperpyrexia; Fulminating hyperpyrexia; Pharmacogenic myopathy; Malignant hyperthermia suceptibility 1. Identifiers: Orphanet 423, MedGen C2930980, MONDO:0007783, OMIM 145600.
RYR1-related disorder. Also called: RYR1-related condition; RYR1-related disorders. Identifiers: MedGen CN239331.

Allele frequency attached by ClinVar (database versions not stated): TOPMed 0.00002; ESP Exome Variant Server 0.00008.
gnomAD v4.1: 15 of 1,613,394 alleles (0.00093%); highest among the groups gnomAD compares: African/African-American, 0.02%; no homozygotes.

Submissions (4):

Labcorp Genetics (formerly Invitae), Labcorp
Classification: Likely benign for RYR1-related disorder. Last evaluated: 2025-05-23. Review status: criteria provided, single submitter. Criteria: Invitae Variant Classification Sherloc (09022015). Collection method: clinical testing. Allele origin: germline.

All of Us Research Program, National Institutes of Health
Classification: Uncertain significance for Malignant hyperthermia, susceptibility to, 1. Last evaluated: 2023-12-18. Review status: criteria provided, single submitter. Criteria: ACMG Guidelines, 2015. Collection method: clinical testing. Allele origin: germline. Inheritance: Autosomal dominant inheritance. Observed: 2 variant alleles, 2 heterozygotes.
Comment: This variant is located in the RYR1 protein. To our knowledge, functional studies have not been reported for this variant. This variant has not been reported in individuals affected with RYR1-related disorders in the literature. This variant has been identified in 4/275130 chromosomes in the general population by the Genome Aggregation Database (gnomAD). The available evidence is insufficient to determine the role of this variant in disease conclusively. Therefore, this variant is classified as a Variant of Uncertain Significance.

This study involves interpretation of variants in research participants for the purpose of population health screening. Participant phenotype was not available at the time of variant classification. Additional details can be found in publication PMID: 35346344, PMCID: PMC8962531

Color Diagnostics, LLC DBA Color Health
Classification: Uncertain significance for Malignant hyperthermia, susceptibility to, 1. Last evaluated: 2023-11-22. Review status: criteria provided, single submitter. Criteria: ACMG Guidelines, 2015. Collection method: clinical testing. Allele origin: germline.
Comment: This variant is located in the RYR1 protein. To our knowledge, functional studies have not been reported for this variant. This variant has not been reported in individuals affected with RYR1-related disorders in the literature. This variant has been identified in 4/275130 chromosomes in the general population by the Genome Aggregation Database (gnomAD). The available evidence is insufficient to determine the role of this variant in disease conclusively. Therefore, this variant is classified as a Variant of Uncertain Significance.

GeneDx
Classification: Likely benign. Last evaluated: 2018-05-24. Review status: criteria provided, single submitter. Criteria: GeneDx Variant Classification (06012015). Collection method: clinical testing. Allele origin: germline. Affected: yes.
Comment: This variant is considered likely benign or benign based on one or more of the following criteria: it is a conservative change, it occurs at a poorly conserved position in the protein, it is predicted to be benign by multiple in silico algorithms, and/or has population frequency not consistent with disease.

NM_000540.3(RYR1):c.5352C>A (p.Ala1784=)

Gene: RYR1 (ryanodine receptor 1; plus strand). Cytogenetic location: 19q13.2.
Variant type: single nucleotide variant.
Coding change: c.5352C>A on transcript NM_000540.3 (MANE Select); coding-DNA position 5352, C replaced by A.
Protein change: p.Ala1784=; no amino-acid change (alanine 1784 retained).
Molecular consequence: synonymous variant.
Genome position (GRCh38, 1-based): chr19:38,486,007, C>A. VCF-style: chr19-38486007-C-A. GRCh37 (hg19) VCF-style: chr19-38976647-C-A.
Other names: c.5352C>A, p.Ala1784= (NM_001042723.2).
Identifiers: ClinVar variation 568562 (VCV000568562.11), dbSNP rs373382967, ClinGen allele CA308093729.